The following is an entry in ClinVar:

ClinVar aggregate classification (germline): Uncertain significance (1 of 4 stars; one submission).

Conditions:
Cardiovascular phenotype. Identifiers: MedGen CN230736.

Allele frequency attached by ClinVar (database versions not stated): TOPMed below 0.00001; gnomAD 0.00002.
gnomAD v4.1: 18 of 1,613,950 alleles (0.0011%); highest among the groups gnomAD compares: Non-Finnish European, 0.00085%; no homozygotes.

Submission:

Ambry Genetics
Classification: Uncertain significance for Cardiovascular phenotype. Last evaluated: 2023-07-06. Review status: criteria provided, single submitter. Criteria: Ambry Variant Classification Scheme 2023. Collection method: clinical testing. Allele origin: germline.
Comment: The p.Y1361C variant (also known as c.4082A>G), located in coding exon 14 of the AKAP9 gene, results from an A to G substitution at nucleotide position 4082. The tyrosine at codon 1361 is replaced by cysteine, an amino acid with highly dissimilar properties. This amino acid position is not well conserved in available vertebrate species. In addition, this alteration is predicted to be tolerated by in silico analysis. The evidence for this gene-disease relationship is limited; therefore, the clinical significance of this alteration is unclear.

NM_005751.5(AKAP9):c.4082A>G (p.Tyr1361Cys)

Gene: AKAP9 (A-kinase anchoring protein 9; plus strand). Cytogenetic location: 7q21.2.
Variant type: single nucleotide variant.
Coding change: c.4082A>G on transcript NM_005751.5 (MANE Select); coding-DNA position 4082, A replaced by G.
Protein change: p.Tyr1361Cys; replaces tyrosine 1361 with cysteine.
Molecular consequence: missense variant.
Genome position (GRCh38, 1-based): chr7:92,022,943, A>G. VCF-style: chr7-92022943-A-G. GRCh37 (hg19) VCF-style: chr7-91652257-A-G.
Other names: c.4082A>G, p.Tyr1361Cys (NM_147185.3); short protein forms Y1361C.
Identifiers: ClinVar variation 519390 (VCV000519390.6), dbSNP rs760043880, ClinGen allele CA368127934.